The following is an entry in ClinVar:

ClinVar aggregate classification (germline): Likely benign (1 of 4 stars; one submission).

Conditions:
NPHP4-related disorder. Also called: NPHP4-related disorders; NPHP4-related condition. Identifiers: MedGen CN239384.

gnomAD v4.1: 6 of 1,606,168 alleles (0.00037%); highest among the groups gnomAD compares: African/African-American, 0.0013%; no homozygotes.

Submission:

PreventionGenetics, part of Exact Sciences
Classification: Likely benign for NPHP4-related condition. Last evaluated: 2026-07-19. Review status: criteria provided, single submitter. Criteria: ACMG Guidelines, 2015. Collection method: clinical testing. Allele origin: germline.
Comment: This variant is classified as likely benign based on ACMG/AMP sequence variant interpretation guidelines (Richards et al. 2015 PMID: 25741868, with internal and published modifications).

NM_015102.5(NPHP4):c.2229C>T (p.Ala743=)

Gene: NPHP4 (nephrocystin 4; minus strand). Cytogenetic location: 1p36.31.
Variant type: single nucleotide variant.
Coding change: c.2229C>T on transcript NM_015102.5 (MANE Select); coding-DNA position 2229, C replaced by T.
Protein change: p.Ala743=; no amino-acid change (alanine 743 retained).
Molecular consequence: synonymous variant. On other transcripts: non-coding transcript variant (1).
Genome position (GRCh38, 1-based): chr1:5,890,943, G>A on the plus strand (C>T on the coding strand, the complement: NPHP4 is on the minus strand). VCF-style: chr1-5890943-G-A. GRCh37 (hg19) VCF-style: chr1-5951003-G-A.
Other names: c.690C>T, p.Ala230= (NM_001291593.2); c.693C>T, p.Ala231= (NM_001291594.2).
Identifiers: ClinVar variation 4983024 (VCV004983024.1).